The following is an entry in ClinVar:

ClinVar aggregate classification (germline): Uncertain significance (1 of 4 stars; one submission).

Submission:

GeneDx
Classification: Uncertain significance. Last evaluated: 2024-04-29. Review status: criteria provided, single submitter. Criteria: GeneDx Variant Classification Process June 2021. Collection method: clinical testing. Allele origin: germline. Affected: yes.
Comment: Not observed at significant frequency in large population cohorts (gnomAD); In silico analysis indicates that this missense variant does not alter protein structure/function; Has not been previously published as pathogenic or benign to our knowledge

NM_181486.4(TBX5):c.629C>T (p.Ala210Val)

Gene: TBX5 (T-box transcription factor 5; minus strand). Cytogenetic location: 12q24.21.
Variant type: single nucleotide variant.
Coding change: c.629C>T on transcript NM_181486.4 (MANE Select); coding-DNA position 629, C replaced by T.
Protein change: p.Ala210Val; replaces alanine 210 with valine.
Molecular consequence: missense variant.
Genome position (GRCh38, 1-based): chr12:114,394,775, G>A on the plus strand (C>T on the coding strand, the complement: TBX5 is on the minus strand). VCF-style: chr12-114394775-G-A. GRCh37 (hg19) VCF-style: chr12-114832580-G-A.
Other names: c.629C>T, p.Ala210Val (NM_000192.3); c.479C>T, p.Ala160Val (NM_080717.4); short protein forms A160V, A210V.
Identifiers: ClinVar variation 3373168 (VCV003373168.1).